The following is an entry in ClinVar:

ClinVar aggregate classification (germline): Uncertain significance (0 of 4 stars; one submission).

Conditions:
SIM1-related disorder. Also called: SIM1-related condition; SIM1-related disorders.

Submission:

PreventionGenetics, part of Exact Sciences
Classification: Uncertain significance for SIM1-related condition. Last evaluated: 2024-09-25. Review status: no assertion criteria provided. Collection method: clinical testing. Allele origin: germline.
Comment: The SIM1 c.365A>G variant is predicted to result in the amino acid substitution p.Asn122Ser. To our knowledge, this variant has not been reported in the literature or in a large population database, indicating this variant is rare. At this time, the clinical significance of this variant is uncertain due to the absence of conclusive functional and genetic evidence.

NM_005068.3(SIM1):c.365A>G (p.Asn122Ser)

Gene: SIM1 (SIM bHLH transcription factor 1; minus strand). Cytogenetic location: 6q16.3.
Variant type: single nucleotide variant.
Coding change: c.365A>G on transcript NM_005068.3 (MANE Select); coding-DNA position 365, A replaced by G.
Protein change: p.Asn122Ser; replaces asparagine 122 with serine.
Molecular consequence: missense variant.
Genome position (GRCh38, 1-based): chr6:100,449,683, T>C on the plus strand (A>G on the coding strand, the complement: SIM1 is on the minus strand). VCF-style: chr6-100449683-T-C. GRCh37 (hg19) VCF-style: chr6-100897559-T-C.
Other names: c.365A>G, p.Asn122Ser (NM_001374769.1); short protein forms N122S.
Identifiers: ClinVar variation 3358136 (VCV003358136.1).
Genomic context (GRCh38, chr6:100,449,683, plus strand): 5'-GCGGTGAGCACCGCCGTCATCTCGTCGTGGTCTGCCGGGTGAATGTATTCATAAATGCTG[T>C]TTCCGGTCAGCTCTACCTGTAAAGAGGAGGATGTCGCCGTCGCCGTGGCGGTGGAATGCC-3'
Protein context (NP_005059.2, residues 112-132): LGLSQVELTG[Asn122Ser]SIYEYIHPAD